The following is an entry in ClinVar:

NM_014363.6(SACS):c.8233delinsAAA (p.Glu2745fs)

Gene: SACS (sacsin molecular chaperone; minus strand). Cytogenetic location: 13q12.12.
Variant type: Indel.
Coding change: c.8233delinsAAA on transcript NM_014363.6 (MANE Select); coding-DNA position 8233, G replaced by AAA.
Protein change: p.Glu2745fs; shifts the reading frame from glutamic acid 2745.
Molecular consequence: frameshift variant.
Genome position (GRCh38, 1-based): chr13:23,335,643, C replaced by TTT on the plus strand (G replaced by AAA on the coding strand, the reverse complement: SACS is on the minus strand). VCF-style: chr13-23335643-C-TTT. GRCh37 (hg19) VCF-style: chr13-23909782-C-TTT.
Other names: c.7792delinsAAA, p.Glu2598fs (NM_001278055.2); c.8260delinsAAA, p.Glu2754fs (NM_001437336.1); short protein forms E2598fs, E2745fs, E2754fs.
Identifiers: ClinVar variation 4815716 (VCV004815716.1).
Genomic context (GRCh38, chr13:23,335,643, plus strand): 5'-CTGAATACAGCACATTTAGAGCTCCAGTACTCTTATCTATTTCACAAATAGAAATTTTTT[C>TTT]CATGTGATTAAGAAACATTAGAAGTTCTGCCCCATCTGAGCGCAGTTTGTCCAAAAGATT-3'

ClinVar aggregate classification (germline): Likely pathogenic (1 of 4 stars; one submission).

Conditions:
Charlevoix-Saguenay spastic ataxia (SACS). Also called: AUTOSOMAL RECESSIVE SPASTIC ATAXIA OF CHARLEVOIX-SAGUENAY; Spastic ataxia of Charlevoix-Saguenay; SPASTIC ATAXIA 6, AUTOSOMAL RECESSIVE. Identifiers: Orphanet 98, MedGen C1849140, MONDO:0010041, OMIM 270550.

Submission:

Natera, Inc.
Classification: Likely pathogenic for Charlevoix-Saguenay type spastic ataxia. Last evaluated: 2025-01-30. Review status: criteria provided, single submitter. Criteria: Natera Variant Classification Schema (03/2026). Collection method: clinical testing. Allele origin: germline.
Comment: The c.8233delinsAAA variant in SACS is a frameshift variant predicted to shift the reading frame beginning at codon 2745 and leads to a stop codon 9 codons downstream. This variant is expected to result in nonsense mediated decay, truncation, or a dysfunctional protein product. This variant is rare in the general population with a frequency below the threshold expected for the associated phenotype(s). Given the available evidence, this variant is classified as Likely Pathogenic.